The following is an entry in ClinVar:

NM_000059.4(BRCA2):c.7402dup (p.Val2468fs)

Gene: BRCA2 (BRCA2 DNA repair associated; plus strand). Cytogenetic location: 13q13.1.
Variant type: Duplication.
Coding change: c.7402dup on transcript NM_000059.4 (MANE Select); coding-DNA position 7402, one base duplicated (G; older notation c.7402dupG).
Protein change: p.Val2468fs; shifts the reading frame from valine 2468.
Molecular consequence: frameshift variant. On other transcripts: non-coding transcript variant (1).
Genome position (GRCh38, 1-based): chr13:32,355,255, G duplicated. VCF-style (leftmost placement, unchanged base first): chr13-32355254-T-TG. GRCh37 (hg19) VCF-style: chr13-32929391-T-TG.
Other names: c.7402dupG (NM_000059.3); c.7306dup, p.Val2436fs (NM_001406719.1); c.7402dup, p.Val2468fs (NM_001406720.1); c.2470dup, p.Val824fs (NM_001406721.1); c.985dup, p.Val329fs (NM_001406722.1); short protein forms V824fs, V2436fs, V329fs, V2468fs.
Identifiers: ClinVar variation 3148707 (VCV003148707.5), dbSNP rs2548540716, ClinGen allele CA1139768306.
Genomic context (GRCh38, chr13:32,355,254, plus strand): 5'-TAAGATTAATGACAATGAGATTCATCAGTTTAACAAAAACAACTCCAATCAAGCAGTAGC[T>TG]GTAACTTTCACAAAGTGTGAAGAAGAACCTTTAGGTATTGTATGACAATTTGTGTGATGA-3'

ClinVar aggregate classification (germline): Pathogenic/Likely pathogenic. Review status: criteria provided, multiple submitters, no conflicts (2 of 4 stars). 4 submissions from 4 submitters: Pathogenic (2); Likely pathogenic (2). Last evaluated 2026-08-07.

Conditions:
Breast-ovarian cancer, familial, susceptibility to, 2 (BROVCA2). Also called: BRCA2 Hereditary Breast and Ovarian Cancer. Identifiers: Orphanet 145, MedGen C2675520, MONDO:0012933, OMIM 612555. Disease mechanism: loss of function.
Hereditary breast ovarian cancer syndrome. Also called: Hereditary breast and ovarian cancer; Hereditary breast and ovarian cancer syndrome (HBOC); Hereditary breast and ovarian cancer syndrome; BRCA1- and BRCA2-Associated Hereditary Breast and Ovarian Cancer; Breast and ovarian cancer; Hereditary breast and/or ovarian cancer syndrome. Identifiers: Orphanet 145, MedGen C0677776, MeSH D061325, MONDO:0003582. Disease mechanism: loss of function.
Hereditary cancer-predisposing syndrome. Also called: Tumor predisposition; Hereditary Cancer Syndrome; Hereditary neoplastic syndrome; Neoplastic Syndromes, Hereditary. Identifiers: Orphanet 140162, MedGen C0027672, MeSH D009386, MONDO:0015356.
Wilms tumor 1 (WT1). Also called: Wilms tumor, somatic. Identifiers: Orphanet 654, MedGen CN033288, MONDO:0008679, OMIM 194070.
Medulloblastoma (MDB). Also called: Medulloblastoma, somatic; MEDULLOBLASTOMA PREDISPOSITION SYNDROME. Identifiers: Orphanet 616, MedGen C0025149, MeSH D008527, MONDO:0007959, OMIM 155255, HP:0002885.
Glioma susceptibility 3 (GLM3). Also called: Glioblastoma 3. Identifiers: Orphanet 182067, Orphanet 360, MedGen C2751641, MONDO:0013093, OMIM 613029.
Familial prostate cancer. Also called: Hereditary Prostate Cancer. Identifiers: MedGen C2931456, MONDO:0700275, OMIM 176807.
Familial cancer of breast. Also called: BREAST CANCER, FAMILIAL; hereditary breast carcinoma; Hereditary breast cancer. Identifiers: Orphanet 227535, MedGen C0346153, MONDO:0016419, OMIM 114480. Disease mechanism: loss of function.
Pancreatic cancer, susceptibility to, 2. Identifiers: Orphanet 1333, MedGen C3150546, MONDO:0013235, OMIM 613347.
Fanconi anemia complementation group D1. Also called: BRCA2-Related Fanconi Anemia. Identifiers: Orphanet 319462, MedGen C1838457, MONDO:0011584, OMIM 605724.

Submissions (4):

Ambry Genetics
Classification: Pathogenic for Hereditary cancer-predisposing syndrome. Last evaluated: 2026-08-07. Review status: criteria provided, single submitter. Criteria: Ambry Variant Classification Scheme 2023. Collection method: clinical testing. Allele origin: germline.
Comment: The c.7402dupG pathogenic mutation, located in coding exon 13 of the BRCA2 gene, results from a duplication of G at nucleotide position 7402, causing a translational frameshift with a predicted alternate stop codon (p.V2468Gfs*7). This variant is considered to be rare based on population cohorts in the Genome Aggregation Database (gnomAD). This variant is expected to result in loss of function by premature protein truncation or nonsense-mediated mRNA decay. As such, this variant is interpreted as a disease-causing mutation.

Labcorp Genetics (formerly Invitae), Labcorp
Classification: Pathogenic for Hereditary breast ovarian cancer syndrome. Last evaluated: 2024-06-30. Review status: criteria provided, single submitter. Criteria: Invitae Variant Classification Sherloc (09022015). Collection method: clinical testing. Allele origin: germline.
Comment: This sequence change creates a premature translational stop signal (p.Val2468Glyfs*7) in the BRCA2 gene. It is expected to result in an absent or disrupted protein product. Loss-of-function variants in BRCA2 are known to be pathogenic (PMID: 20104584). This variant is not present in population databases (gnomAD no frequency). This variant has not been reported in the literature in individuals affected with BRCA2-related conditions. For these reasons, this variant has been classified as Pathogenic.

Fulgent Genetics
Classification: Likely pathogenic for Familial cancer of breast; Medulloblastoma; Familial prostate cancer; Wilms tumor 1; Fanconi anemia complementation group D1; Breast-ovarian cancer, familial, susceptibility to, 2; Glioma susceptibility 3; Pancreatic cancer, susceptibility to, 2. Last evaluated: 2024-05-18. Review status: criteria provided, single submitter. Criteria: ACMG Guidelines, 2015. Collection method: clinical testing. Allele origin: germline.

Myriad Genetics, Inc.
Classification: Likely pathogenic for Breast-ovarian cancer, familial, susceptibility to, 2. Last evaluated: 2024-02-26. Review status: criteria provided, single submitter. Criteria: Myriad Autosomal Dominant, Autosomal Recessive and X-Linked Classification Criteria (2023). Collection method: clinical testing. Allele origin: unknown.
Comment: This variant is considered likely pathogenic. This variant creates a frameshift predicted to result in premature protein truncation.

Literature cited by the submitters: PubMed 20104584 (cited by Labcorp Genetics (formerly Invitae), Labcorp).